The following is an entry in ClinVar:

NM_138477.4(CDAN1):c.494C>T (p.Thr165Met)

Genes: CDAN1 (codanin 1; minus strand), LOC130056931 (ATAC-STARR-seq lymphoblastoid silent region 6376; plus strand). Cytogenetic location: 15q15.2.
Variant type: single nucleotide variant.
Coding change: c.494C>T on transcript NM_138477.4 (MANE Select); coding-DNA position 494, C replaced by T.
Protein change: p.Thr165Met; replaces threonine 165 with methionine.
Molecular consequence: missense variant.
Genome position (GRCh38, 1-based): chr15:42,736,377, G>A on the plus strand (C>T on the coding strand, the complement: CDAN1 is on the minus strand). VCF-style: chr15-42736377-G-A. GRCh37 (hg19) VCF-style: chr15-43028575-G-A.
Other names: p.Thr165Met; c.494C>T (NM_138477.2); short protein forms T165M.
Identifiers: ClinVar variation 2439839 (VCV002439839.4), dbSNP rs369344224, ClinGen allele CA7516393.

ClinVar aggregate classification (germline): Uncertain significance. Review status: criteria provided, multiple submitters, no conflicts (2 of 4 stars). 2 submissions from 2 submitters: Uncertain significance (2). Last evaluated 2022-12-21.

Conditions:
Anemia, congenital dyserythropoietic, type 1a (CDAN1A). Also called: DYSERYTHROPOIETIC ANEMIA, CONGENITAL, TYPE Ia; CDAN1-Related Congenital Dyserythropoietic Anemia. Identifiers: MedGen C5574667, MONDO:0009135, OMIM 224120.

Allele frequency attached by ClinVar (database versions not stated): gnomAD exomes below 0.00001; ExAC 0.00001; gnomAD 0.00002; TOPMed 0.00003; ESP Exome Variant Server 0.00008.

Submissions (2):

Revvity Omics, Revvity
Classification: Uncertain significance for Anemia, congenital dyserythropoietic, type 1a. Last evaluated: 2022-12-21. Review status: criteria provided, single submitter. Criteria: ACMG Guidelines, 2015. Collection method: clinical testing. Allele origin: germline.

Mayo Clinic Laboratories, Mayo Clinic
Classification: Uncertain significance. Last evaluated: 2022-11-30. Review status: criteria provided, single submitter. Criteria: ACMG Guidelines, 2015. Collection method: clinical testing. Allele origin: germline. Observed: 1 variant allele.
Comment: BP4, PM2